The following is an entry in ClinVar:

ClinVar aggregate classification (germline): Uncertain significance. Review status: criteria provided, multiple submitters, no conflicts (2 of 4 stars). 2 submissions from 2 submitters: Uncertain significance (2). Last evaluated 2025-02-28.

Conditions:
Cardiovascular phenotype. Identifiers: MedGen CN230736.
Hypertrophic cardiomyopathy. Also called: HYPERTROPHIC MYOCARDIOPATHY. Identifiers: Orphanet 217569, MedGen C0007194, MeSH D002312, MONDO:0005045, HP:0001639.

Submissions (2):

Ambry Genetics
Classification: Uncertain significance for Cardiovascular phenotype. Last evaluated: 2025-02-28. Review status: criteria provided, single submitter. Criteria: Ambry Variant Classification Scheme 2023. Collection method: clinical testing. Allele origin: germline.
Comment: The p.L96Q variant (also known as c.287T>A), located in coding exon 2 of the MYH7 gene, results from a T to A substitution at nucleotide position 287. The leucine at codon 96 is replaced by glutamine, an amino acid with dissimilar properties. This variant was reported in individual(s) with features consistent with hypertrophic cardiomyopathy (HCM) (Tadros R et al. Nat Genet, 2021 Feb;53:128-134). This amino acid position is highly conserved in available vertebrate species. In addition, this alteration is predicted to be deleterious by in silico analysis. Based on the available evidence, the clinical significance of this variant remains unclear.

Labcorp Genetics (formerly Invitae), Labcorp
Classification: Uncertain significance for Hypertrophic cardiomyopathy. Last evaluated: 2022-12-17. Review status: criteria provided, single submitter. Criteria: Invitae Variant Classification Sherloc (09022015). Collection method: clinical testing. Allele origin: germline.
Comment: In summary, the available evidence is currently insufficient to determine the role of this variant in disease. Therefore, it has been classified as a Variant of Uncertain Significance. Advanced modeling of protein sequence and biophysical properties (such as structural, functional, and spatial information, amino acid conservation, physicochemical variation, residue mobility, and thermodynamic stability) performed at Invitae indicates that this missense variant is expected to disrupt MYH7 protein function. ClinVar contains an entry for this variant (Variation ID: 937686). This sequence change replaces leucine, which is neutral and non-polar, with glutamine, which is neutral and polar, at codon 96 of the MYH7 protein (p.Leu96Gln). This variant is not present in population databases (gnomAD no frequency). This missense change has been observed in individual(s) with hypertrophic cardiomyopathy (Invitae).

Literature cited by the submitters: PubMed 33495596 (cited by Ambry Genetics).

NM_000257.4(MYH7):c.287T>A (p.Leu96Gln)

Gene: MYH7 (myosin heavy chain 7; minus strand). Cytogenetic location: 14q11.2.
Variant type: single nucleotide variant.
Coding change: c.287T>A on transcript NM_000257.4 (MANE Select); coding-DNA position 287, T replaced by A.
Protein change: p.Leu96Gln; replaces leucine 96 with glutamine.
Molecular consequence: missense variant.
Genome position (GRCh38, 1-based): chr14:23,433,142, A>T on the plus strand (T>A on the coding strand, the complement: MYH7 is on the minus strand). VCF-style: chr14-23433142-A-T. GRCh37 (hg19) VCF-style: chr14-23902351-A-T.
Other names: short protein forms L96Q.
Identifiers: ClinVar variation 937686 (VCV000937686.10), dbSNP rs1893016563, ClinGen allele CA389053223.